The following is an entry in ClinVar:

ClinVar aggregate classification (germline): Uncertain significance. Review status: criteria provided, multiple submitters, no conflicts (2 of 4 stars). 2 submissions from 2 submitters: Uncertain significance (2). Last evaluated 2025-07-08.

Conditions:
Inborn genetic diseases. Identifiers: MedGen C0950123, MeSH D030342.

Submissions (2):

GeneDx
Classification: Uncertain significance. Last evaluated: 2025-07-08. Review status: criteria provided, single submitter. Criteria: GeneDx Variant Classification Process June 2021. Collection method: clinical testing. Allele origin: germline.
Comment: Not observed at significant frequency in large population cohorts (gnomAD); In silico analysis supports that this missense variant has a deleterious effect on protein structure/function; Has not been previously published as pathogenic or benign to our knowledge

Ambry Genetics
Classification: Uncertain significance for Inborn genetic diseases. Last evaluated: 2025-04-18. Review status: criteria provided, single submitter. Criteria: Ambry Variant Classification Scheme 2023. Collection method: clinical testing. Allele origin: germline.

NM_012208.4(HARS2):c.1166G>A (p.Arg389Gln)

Gene: HARS2 (histidyl-tRNA synthetase 2, mitochondrial; plus strand). Cytogenetic location: 5q31.3.
Variant type: single nucleotide variant.
Coding change: c.1166G>A on transcript NM_012208.4 (MANE Select); coding-DNA position 1166, G replaced by A.
Protein change: p.Arg389Gln; replaces arginine 389 with glutamine.
Molecular consequence: missense variant.
Genome position (GRCh38, 1-based): chr5:140,697,375, G>A. VCF-style: chr5-140697375-G-A. GRCh37 (hg19) VCF-style: chr5-140076960-G-A.
Other names: c.1091G>A, p.Arg364Gln (NM_001278731.2); c.734G>A, p.Arg245Gln (NM_001278732.2); c.1184G>A, p.Arg395Gln (NM_001363535.2); c.956G>A, p.Arg319Gln (NM_001363536.2); short protein forms R245Q, R319Q, R364Q, R389Q, R395Q.
Identifiers: ClinVar variation 3897374 (VCV003897374.3).